The following is an entry in ClinVar:

ClinVar aggregate classification (germline): Pathogenic (1 of 4 stars; one submission).

Submission:

Labcorp Genetics (formerly Invitae), Labcorp
Classification: Pathogenic. Last evaluated: 2024-01-03. Review status: criteria provided, single submitter. Criteria: Invitae Variant Classification Sherloc (09022015). Collection method: clinical testing. Allele origin: germline.
Comment: This sequence change creates a premature translational stop signal (p.Trp562*) in the DUOX2 gene. It is expected to result in an absent or disrupted protein product. Loss-of-function variants in DUOX2 are known to be pathogenic (PMID: 12110737, 18765513, 21565790, 24423310, 24735383). This variant is not present in population databases (gnomAD no frequency). This variant has not been reported in the literature in individuals affected with DUOX2-related conditions. For these reasons, this variant has been classified as Pathogenic.

Literature cited by the submitters: PubMed 12110737; PubMed 18765513; PubMed 21565790; PubMed 24423310; PubMed 24735383.

NM_001363711.2(DUOX2):c.1686G>A (p.Trp562Ter)

Gene: DUOX2 (dual oxidase 2; minus strand). Cytogenetic location: 15q21.1.
Variant type: single nucleotide variant.
Coding change: c.1686G>A on transcript NM_001363711.2 (MANE Select); coding-DNA position 1686, G replaced by A.
Protein change: p.Trp562Ter; replaces tryptophan 562 with a stop codon.
Molecular consequence: nonsense.
Genome position (GRCh38, 1-based): chr15:45,107,352, C>T on the plus strand (G>A on the coding strand, the complement: DUOX2 is on the minus strand). VCF-style: chr15-45107352-C-T. GRCh37 (hg19) VCF-style: chr15-45399550-C-T.
Other names: c.1686G>A, p.Trp562Ter (NM_014080.5); short protein forms W562*.
Identifiers: ClinVar variation 2754448 (VCV002754448.3), dbSNP rs142407409, ClinGen allele CA392274494.
Genomic context (GRCh38, chr15:45,107,352, plus strand): 5'-CTTGATCCTTCTCTGGCCACTGTCACTCACTTGTGTTCTCCCACGGCACTCACCTTTATG[C>T]CAGACAAAGACATTGGGCTGCAGGGCACTGGGGTCAATGTTGATAACAGCGACCAGCACG-3'